The following is an entry in ClinVar:

NM_007118.4(TRIO):c.2391+1G>A

Gene: TRIO (trio Rho guanine nucleotide exchange factor; plus strand). Cytogenetic location: 5p15.2.
Variant type: single nucleotide variant.
Coding change: c.2391+1G>A on transcript NM_007118.4 (MANE Select); the canonical splice donor site of the intron after coding-DNA position 2391, G replaced by A.
Molecular consequence: splice donor variant.
Genome position (GRCh38, 1-based): chr5:14,359,532, G>A. VCF-style: chr5-14359532-G-A. GRCh37 (hg19) VCF-style: chr5-14359641-G-A.
Identifiers: ClinVar variation 2266315 (VCV002266315.3), dbSNP rs2532619002, ClinGen allele CA359207513.
Genomic context (GRCh38, chr5:14,359,532, plus strand): 5'-CGCAAGATCAAGCTGGAGCTCTTCCTGCAGCTGCGCATCTTCGAGAGGGACGCCATCGAC[G>A]TGAGTGTCCCGCGGCTGGCGCCTGCCTGCCTGTGGGAGCCCTTGGCTTCCTCCACAGCAC-3'

ClinVar aggregate classification (germline): Pathogenic/Likely pathogenic. Review status: criteria provided, multiple submitters, no conflicts (2 of 4 stars). 2 submissions from 2 submitters: Pathogenic (1); Likely pathogenic (1). Last evaluated 2026-02-11.

Conditions:
Inborn genetic diseases. Identifiers: MedGen C0950123, MeSH D030342.

Allele frequency attached by ClinVar (database versions not stated): gnomAD exomes below 0.00001.
gnomAD v4.1: 1 of 1,613,002 alleles (0.000062%); highest among the groups gnomAD compares: Non-Finnish European, 0.000085%; no homozygotes.

Submissions (2):

GeneDx
Classification: Pathogenic. Last evaluated: 2026-02-11. Review status: criteria provided, single submitter. Criteria: GeneDx Variant Classification Process June 2021. Collection method: clinical testing. Allele origin: germline.
Comment: Canonical splice site variant predicted to result in a null allele in a gene for which loss of function is a known mechanism of disease; Not observed at significant frequency in large population cohorts (gnomAD); Has not been previously published as pathogenic or benign to our knowledge

Ambry Genetics
Classification: Likely pathogenic for Inborn genetic diseases. Last evaluated: 2021-12-28. Review status: criteria provided, single submitter. Criteria: Ambry Variant Classification Scheme 2023. Collection method: clinical testing. Allele origin: germline.
Comment: The c.2391+1G>A intronic variant results from a G to A substitution one nucleotide after coding exon 13 of the TRIO gene. Alterations that disrupt the canonical splice site are expected to cause aberrant splicing, resulting in an abnormal protein or a transcript that is subject to nonsense-mediated mRNA decay. Heterozygous loss of function alterations in TRIO have been associated with TRIO-related neurodevelopmental disorder with microcephaly; however, haploinsufficiency for TRIO has not been clearly established as a mechanism of disease for TRIO-related neurodevelopmental disorder with macrocephaly. Based on the supporting evidence, this variant is expected to be causative of TRIO-related neurodevelopmental disorder with microcephaly; however, its clinical significance for TRIO-related neurodevelopmental disorder with macrocephaly is unclear. This variant was not reported in population-based cohorts in the Genome Aggregation Database (gnomAD). This nucleotide position is highly conserved in available vertebrate species. In silico splice site analysis predicts that this alteration will weaken the native splice donor site. Based on the available evidence, this alteration is classified as likely pathogenic.